The following is an entry in ClinVar:

NM_001987.5(ETV6):c.919_922del (p.Ser307fs)

Gene: ETV6 (ETS variant transcription factor 6; plus strand). Cytogenetic location: 12p13.2.
Variant type: Microsatellite.
Coding change: c.919_922del on transcript NM_001987.5 (MANE Select); coding-DNA positions 919 to 922, 4 bases deleted (TCTC; older notation c.919_922delTCTC).
Protein change: p.Ser307fs; shifts the reading frame from serine 307.
Molecular consequence: frameshift variant.
Genome position (GRCh38, 1-based): chr12:11,869,879-11,869,882, TCTC deleted; deleting any 4 consecutive bases within chr12:11,869,876-11,869,882 gives the same sequence; the c. name uses the placement nearest the transcript's 3' end. VCF-style (leftmost placement, unchanged base first): chr12-11869875-CCTCT-C. GRCh37 (hg19) VCF-style: chr12-12022809-CCTCT-C.
Other names: c.916_919del, p.Ser306fs (NM_001413913.1); c.892_895del, p.Ser298fs (NM_001413914.1); c.655_658del, p.Ser219fs (NM_001413915.1); c.919_922del, p.Ser307fs (NM_001413916.1, NM_001413917.1); c.917_918TC[1], p.Ser307Ilefs (NM_001987.4); c.919_922delTCTC (NM_001987.4); short protein forms S298fs, S219fs, S306fs, S307fs.
Identifiers: ClinVar variation 4020044 (VCV004020044.1).

ClinVar aggregate classification (germline): Pathogenic (1 of 4 stars; one submission).

Conditions:
Inborn genetic diseases. Identifiers: MedGen C0950123, MeSH D030342.

Submission:

Ambry Genetics
Classification: Pathogenic for Inborn genetic diseases. Last evaluated: 2025-04-02. Review status: criteria provided, single submitter. Criteria: Ambry Variant Classification Scheme 2023. Collection method: clinical testing. Allele origin: germline.
Comment: The c.919_922delTCTC pathogenic mutation, located in coding exon 5 of the ETV6 gene, results from a deletion of 4 nucleotides at nucleotide positions 919 to 922, causing a translational frameshift with a predicted alternate stop codon (p.S307Ifs*8). This variant is considered to be rare based on population cohorts in the Genome Aggregation Database (gnomAD). This alteration is expected to result in loss of function by premature protein truncation or nonsense-mediated mRNA decay. As such, this alteration is interpreted as a disease-causing mutation.